The following is an entry in ClinVar:

ClinVar aggregate classification (germline): Uncertain significance (1 of 4 stars; one submission).

Conditions:
GLUT1 deficiency syndrome 1, autosomal recessive. Identifiers: MedGen C3149117.

Submission:

Labcorp Genetics (formerly Invitae), Labcorp
Classification: Uncertain significance for GLUT1 deficiency syndrome 1, autosomal recessive. Last evaluated: 2021-08-14. Review status: criteria provided, single submitter. Criteria: Invitae Variant Classification Sherloc (09022015). Collection method: clinical testing. Allele origin: germline.
Comment: In summary, the available evidence is currently insufficient to determine the role of this variant in disease. Therefore, it has been classified as a Variant of Uncertain Significance. Advanced modeling of protein sequence and biophysical properties (such as structural, functional, and spatial information, amino acid conservation, physicochemical variation, residue mobility, and thermodynamic stability) performed at Invitae indicates that this missense variant is not expected to disrupt SLC2A1 protein function. This variant has not been reported in the literature in individuals affected with SLC2A1-related conditions. This variant is not present in population databases (ExAC no frequency). This sequence change replaces methionine with isoleucine at codon 98 of the SLC2A1 protein (p.Met98Ile). The methionine residue is moderately conserved and there is a small physicochemical difference between methionine and isoleucine.

NM_006516.4(SLC2A1):c.294G>C (p.Met98Ile)

Gene: SLC2A1 (solute carrier family 2 member 1; minus strand). Cytogenetic location: 1p34.2.
Variant type: single nucleotide variant.
Coding change: c.294G>C on transcript NM_006516.4 (MANE Select); coding-DNA position 294, G replaced by C.
Protein change: p.Met98Ile; replaces methionine 98 with isoleucine.
Molecular consequence: missense variant.
Genome position (GRCh38, 1-based): chr1:42,930,848, C>G on the plus strand (G>C on the coding strand, the complement: SLC2A1 is on the minus strand). VCF-style: chr1-42930848-C-G. GRCh37 (hg19) VCF-style: chr1-43396519-C-G.
Other names: short protein forms M98I.
Identifiers: ClinVar variation 1444011 (VCV001444011.6), dbSNP rs2124450464, ClinGen allele CA339961385.
Genomic context (GRCh38, chr1:42,930,848, plus strand): 5'-GGACTTGCCCAGTTTCGAGAAGCCCATGAGCACGGCGGACACGAAGGCCAGCAGGTTCAT[C>G]ATCAGCATTGAATTCCGCCTGGGGACGGGGTCACAGGTCAGGCCAGTGCCCACATTCCTT-3'
Protein context (NP_006507.2, residues 88-108): NRFGRRNSML[Met98Ile]MNLLAFVSAV